The following is an entry in ClinVar:

NM_002838.5(PTPRC):c.308C>G (p.Ser103Ter)

Gene: PTPRC (protein tyrosine phosphatase receptor type C; plus strand). Cytogenetic location: 1q31.3.
Variant type: single nucleotide variant.
Coding change: c.308C>G on transcript NM_002838.5 (MANE Select); coding-DNA position 308, C replaced by G.
Protein change: p.Ser103Ter; replaces serine 103 with a stop codon.
Molecular consequence: nonsense. On other transcripts: intron variant (1).
Genome position (GRCh38, 1-based): chr1:198,699,573, C>G. VCF-style: chr1-198699573-C-G. GRCh37 (hg19) VCF-style: chr1-198668702-C-G.
Other names: c.101-3725C>G (NM_080921.4); short protein forms S103*.
Identifiers: ClinVar variation 1460093 (VCV001460093.7), dbSNP rs2102393172, ClinGen allele CA344097131.

ClinVar aggregate classification (germline): Pathogenic. Review status: criteria provided, single submitter (1 of 4 stars). 2 submissions from 2 submitters: Pathogenic (1). 1 of the submissions does not count toward it. Last evaluated 2021-01-04.

Conditions:
Immunodeficiency 105 (IMD105). Also called: Immunodeficiency 105, severe combined. Identifiers: MedGen C5677005, MONDO:0800104, OMIM 619924.
Immunodeficiency 104. Also called: Severe Combined Immune Deficiency, Autosomal Recessive, TCell -Negative, B Cell-Positive, NK Cell-Positive, IL7R-Related; Severe combined immunodeficiency, autosomal recessive, T cell-negative, B cell-positive, NK cell-positive; IMMUNODEFICIENCY 104, SEVERE COMBINED; SCID, AUTOSOMAL RECESSIVE, T CELL-NEGATIVE, B CELL-POSITIVE, NK CELL-POSITIVE. Identifiers: MedGen C5676890, MONDO:0012163, OMIM 608971.

Submissions (2):

Labcorp Genetics (formerly Invitae), Labcorp
Classification: Pathogenic for Immunodeficiency 104. Last evaluated: 2021-01-04. Review status: criteria provided, single submitter. Criteria: Invitae Variant Classification Sherloc (09022015). Collection method: clinical testing. Allele origin: germline.
Comment: This sequence change creates a premature translational stop signal (p.Ser103*) in the PTPRC gene. It is expected to result in an absent or disrupted protein product. Loss-of-function variants in PTPRC are known to be pathogenic (PMID: 10700239). This variant is not present in population databases (ExAC no frequency). For these reasons, this variant has been classified as Pathogenic. This variant has not been reported in the literature in individuals with PTPRC-related conditions.

Clinic of Clinical Immunology with Stem Cell Bank, Expert Centre for Rare Diseases - PID, University Hospital "Alexandrovska"
Classification: Pathogenic for Immunodeficiency 105. Review status: no assertion criteria provided. Collection method: clinical testing. Allele origin: germline. Not counted in ClinVar's aggregate classification.

Literature cited by the submitters: PubMed 10700239 (cited by Labcorp Genetics (formerly Invitae), Labcorp).